The following is an entry in ClinVar:

NM_019066.5(MAGEL2):c.557_558delinsAC (p.Gly186Asp)

Gene: MAGEL2 (MAGE family member L2; minus strand). Cytogenetic location: 15q11.2.
Variant type: Indel.
Coding change: c.557_558delinsAC on transcript NM_019066.5 (MANE Select); coding-DNA positions 557 to 558, GG replaced by AC.
Protein change: p.Gly186Asp; replaces glycine 186 with aspartic acid.
Molecular consequence: missense variant.
Genome position (GRCh38, 1-based): chr15:23,647,185-23,647,186, CC replaced by GT on the plus strand (GG replaced by AC on the coding strand, the reverse complement: MAGEL2 is on the minus strand). VCF-style: chr15-23647185-CC-GT. GRCh37 (hg19) VCF-style: chr15-23892332-CC-GT.
Other names: short protein forms G186D.
Identifiers: ClinVar variation 1313837 (VCV001313837.3), dbSNP rs2140718384, ClinGen allele CA2573053972.

ClinVar aggregate classification (germline): Uncertain significance. Review status: criteria provided, multiple submitters, no conflicts (2 of 4 stars). 2 submissions from 2 submitters: Uncertain significance (2). Last evaluated 2026-07-13.

Conditions:
MAGEL2-related disorder. Also called: MAGEL2-related condition.

Submissions (2):

PreventionGenetics, part of Exact Sciences
Classification: Uncertain significance for MAGEL2-related condition. Last evaluated: 2026-07-13. Review status: criteria provided, single submitter. Criteria: ACMG Guidelines, 2015. Collection method: clinical testing. Allele origin: germline.
Comment: The MAGEL2 c.557_558delinsAC variant is predicted to result in an in-frame deletion and insertion. To our knowledge, this variant has not been reported in the literature or in a large population database (gnomAD), indicating this variant is rare. At this time, the clinical significance of this variant is uncertain due to the absence of conclusive functional and genetic evidence.

GeneDx
Classification: Uncertain significance. Last evaluated: 2020-12-30. Review status: criteria provided, single submitter. Criteria: GeneDx Variant Classification Process June 2021. Collection method: clinical testing. Allele origin: germline. Affected: yes.
Comment: Not observed in large population cohorts (Lek et al., 2016); In silico analysis supports that this variant does not alter protein structure/function; Has not been previously published as pathogenic or benign to our knowledge